The following is an entry in ClinVar:

NM_007294.4(BRCA1):c.3997G>A (p.Val1333Ile)

Genes: BRCA1 (BRCA1 DNA repair associated; minus strand), LOC126862571 (BRD4-independent group 4 enhancer GRCh37_chr17:41243136-41244335; plus strand). Cytogenetic location: 17q21.31.
Variant type: single nucleotide variant.
Coding change: c.3997G>A on transcript NM_007294.4 (MANE Select); coding-DNA position 3997, G replaced by A.
Protein change: p.Val1333Ile; replaces valine 1333 with isoleucine.
Molecular consequence: missense variant. On other transcripts: intron variant (135).
Genome position (GRCh38, 1-based): chr17:43,091,534, C>T on the plus strand (G>A on the coding strand, the complement: BRCA1 is on the minus strand). VCF-style: chr17-43091534-C-T. GRCh37 (hg19) VCF-style: chr17-41243551-C-T.
Other names: c.3661G>A, p.Val1221Ile (NM_001407954.1, NM_001407955.1, NM_001407956.1 and 1 more transcripts); c.3664G>A, p.Val1222Ile (NM_001407957.1, NM_001407946.1, NM_001407947.1 and 6 more transcripts); c.3109G>A, p.Val1037Ile (NM_001407967.1, NM_001407966.1); c.1393G>A, p.Val465Ile (NM_001407968.1, NM_001407969.1); c.3856G>A, p.Val1286Ile (NM_007297.4, NM_001407692.1, NM_001407694.1 and 29 more transcripts); c.3997G>A, p.Val1333Ile (NM_007300.4, NM_001407581.1, NM_001407582.1 and 30 more transcripts); c.647-502G>A (NM_001408458.1, NM_001408469.1, NM_001408453.1 and 11 more transcripts); c.284-502G>A (NM_001408512.1); and 41 more; short protein forms V1037I, V1165I, V1205I, V1206I, V1221I, V1222I, V1244I, V1245I.
Identifiers: ClinVar variation 2576276 (VCV002576276.5), dbSNP rs2053487730, ClinGen allele CA10593969.

ClinVar aggregate classification (germline): Uncertain significance. Review status: criteria provided, multiple submitters, no conflicts (2 of 4 stars). 2 submissions from 2 submitters: Uncertain significance (2). Last evaluated 2025-03-04.

Conditions:
Hereditary breast ovarian cancer syndrome. Also called: Hereditary breast and/or ovarian cancer syndrome; Hereditary breast and ovarian cancer; Breast and ovarian cancer; Hereditary breast and ovarian cancer syndrome; Hereditary breast and ovarian cancer syndrome (HBOC); BRCA1- and BRCA2-Associated Hereditary Breast and Ovarian Cancer. Identifiers: Orphanet 145, MedGen C0677776, MeSH D061325, MONDO:0003582. Disease mechanism: loss of function.

Submissions (2):

Center for Genomic Medicine, Rigshospitalet, Copenhagen University Hospital
Classification: Uncertain significance. Last evaluated: 2025-03-04. Review status: criteria provided, single submitter. Criteria: ACMG Guidelines, 2015. Collection method: clinical testing. Allele origin: germline.

Labcorp Genetics (formerly Invitae), Labcorp
Classification: Uncertain significance for Hereditary breast ovarian cancer syndrome. Last evaluated: 2023-10-17. Review status: criteria provided, single submitter. Criteria: Invitae Variant Classification Sherloc (09022015). Collection method: clinical testing. Allele origin: germline.
Comment: This sequence change replaces valine, which is neutral and non-polar, with isoleucine, which is neutral and non-polar, at codon 1333 of the BRCA1 protein (p.Val1333Ile). This variant is not present in population databases (gnomAD no frequency). This variant has not been reported in the literature in individuals affected with BRCA1-related conditions. ClinVar contains an entry for this variant (Variation ID: 2576276). Advanced modeling of protein sequence and biophysical properties (such as structural, functional, and spatial information, amino acid conservation, physicochemical variation, residue mobility, and thermodynamic stability) performed at Invitae indicates that this missense variant is not expected to disrupt BRCA1 protein function. In summary, the available evidence is currently insufficient to determine the role of this variant in disease. Therefore, it has been classified as a Variant of Uncertain Significance.